The following is an entry in ClinVar:

ClinVar aggregate classification (germline): Uncertain significance (1 of 4 stars; one submission).

Allele frequency attached by ClinVar (database versions not stated): ExAC 0.00001; gnomAD exomes below 0.00001.
gnomAD v4.1: 2 of 1,613,832 alleles (0.00012%); highest among the groups gnomAD compares: South Asian, 0.0022%; no homozygotes.

Submission:

Laboratory for Molecular Medicine, Mass General Brigham Personalized Medicine
Classification: Uncertain significance. Last evaluated: 2014-09-17. Review status: criteria provided, single submitter. Criteria: LMM Criteria. Collection method: clinical testing. Allele origin: germline. Observed: 1 variant allele.
Comment: The Asn3532Asp variant in TTN has not been previously reported in individuals wi th cardiomyopathy or in large population studies. Computational prediction tools and conservation analysis do not provide strong support for or against an impac t to the protein. In summary, the clinical significance of the Asn3532Asp varian t is uncertain.

NM_001267550.2(TTN):c.14326A>G (p.Asn4776Asp)

Gene: TTN (titin; minus strand). Cytogenetic location: 2q31.2.
Variant type: single nucleotide variant.
Coding change: c.14326A>G on transcript NM_001267550.2 (MANE Select); coding-DNA position 14326, A replaced by G.
Protein change: p.Asn4776Asp; replaces asparagine 4776 with aspartic acid.
Molecular consequence: missense variant.
Genome position (GRCh38, 1-based): chr2:178,738,127, T>C on the plus strand (A>G on the coding strand, the complement: TTN is on the minus strand). VCF-style: chr2-178738127-T-C. GRCh37 (hg19) VCF-style: chr2-179602854-T-C.
Other names: c.10594A>G, p.Asn3532Asp (NM_133378.4); c.13375A>G, p.Asn4459Asp (NM_001256850.1); c.13237A>G, p.Asn4413Asp (NM_003319.4); c.13612A>G, p.Asn4538Asp (NM_133432.3); c.13813A>G, p.Asn4605Asp (NM_133437.4); short protein forms N3532D, N4776D, N4459D, N4413D, N4538D, N4605D.
Identifiers: ClinVar variation 180044 (VCV000180044.5), dbSNP rs727505309, ClinGen allele CA185699.
Genomic context (GRCh38, chr2:178,738,127, plus strand): 5'-ATGTATGGCATTTACCTGTCACAGTTAGTGTGGCTGTACAGCTGACACTGCCATACTCAT[T>C]GGAAGCTTTGCATGTATACTCGCCGCAGTCAACCACCTGGGTTCTCAGGATTTCAAGGCT-3'
Protein context (NP_001254479.2, residues 4766-4786): DCGEYTCKAS[Asn4776Asp]EYGSVSCTAT